The following is an entry in ClinVar:

NM_152866.3(MS4A1):c.38C>T (p.Pro13Leu)

Gene: MS4A1 (membrane spanning 4-domains A1; plus strand). Cytogenetic location: 11q12.2.
Variant type: single nucleotide variant.
Coding change: c.38C>T on transcript NM_152866.3 (MANE Select); coding-DNA position 38, C replaced by T.
Protein change: p.Pro13Leu; replaces proline 13 with leucine.
Molecular consequence: missense variant.
Genome position (GRCh38, 1-based): chr11:60,462,412, C>T. VCF-style: chr11-60462412-C-T. GRCh37 (hg19) VCF-style: chr11-60229885-C-T.
Other names: c.38C>T (NM_152866.2); c.38C>T, p.Pro13Leu (NM_021950.4, NM_152867.2); short protein forms P13L.
Identifiers: ClinVar variation 1441898 (VCV001441898.9), dbSNP rs143807889, ClinGen allele CA6024851.

ClinVar aggregate classification (germline): Uncertain significance. Review status: criteria provided, multiple submitters, no conflicts (2 of 4 stars). 2 submissions from 2 submitters: Uncertain significance (2). Last evaluated 2025-12-03.

Allele frequency attached by ClinVar (database versions not stated): gnomAD 0.00007 and 0.00009; ESP Exome Variant Server 0.00008; gnomAD exomes 0.00008 and 0.00014; TOPMed 0.00012; ExAC 0.00013; 1000 Genomes Project 0.00060; 1000 Genomes Project 30x 0.00062.
gnomAD v4.1: 124 of 1,614,122 alleles (0.0077%); highest among the groups gnomAD compares: Admixed American, 0.037%; no homozygotes.

Submissions (2):

Labcorp Genetics (formerly Invitae), Labcorp
Classification: Uncertain significance. Last evaluated: 2025-12-03. Review status: criteria provided, single submitter. Criteria: Invitae Variant Classification Sherloc (09022015). Collection method: clinical testing. Allele origin: germline.
Comment: This sequence change replaces proline, which is neutral and non-polar, with leucine, which is neutral and non-polar, at codon 13 of the MS4A1 protein (p.Pro13Leu). This variant is present in population databases (rs143807889, gnomAD 0.03%). This variant has not been reported in the literature in individuals affected with MS4A1-related conditions. ClinVar contains an entry for this variant (Variation ID: 1441898). An algorithm developed to predict the effect of missense changes on protein structure and function outputs the following: PolyPhen-2: "Benign". The leucine amino acid residue is found in multiple mammalian species, which suggests that this missense change does not adversely affect protein function. In summary, the available evidence is currently insufficient to determine the role of this variant in disease. Therefore, it has been classified as a Variant of Uncertain Significance.

Ambry Genetics
Classification: Uncertain significance. Last evaluated: 2025-08-31. Review status: criteria provided, single submitter. Criteria: Ambry Variant Classification Scheme 2023. Collection method: clinical testing. Allele origin: germline.